The following is an entry in ClinVar:

ClinVar aggregate classification (germline): Pathogenic (1 of 4 stars; one submission).

Conditions:
Primary ciliary dyskinesia. Also called: Ciliary dyskinesia. Identifiers: Orphanet 244, MedGen C0008780, MONDO:0016575, HP:0012265.

Submission:

Labcorp Genetics (formerly Invitae), Labcorp
Classification: Pathogenic for Primary ciliary dyskinesia. Last evaluated: 2022-08-15. Review status: criteria provided, single submitter. Criteria: Invitae Variant Classification Sherloc (09022015). Collection method: clinical testing. Allele origin: germline.
Comment: For these reasons, this variant has been classified as Pathogenic. ClinVar contains an entry for this variant (Variation ID: 1070035). This premature translational stop signal has been observed in individual(s) with clinical features of CCDC39-related conditions (Invitae). This variant is not present in population databases (gnomAD no frequency). This sequence change creates a premature translational stop signal (p.Ile559Argfs*2) in the CCDC39 gene. It is expected to result in an absent or disrupted protein product. Loss-of-function variants in CCDC39 are known to be pathogenic (PMID: 21131972, 23255504).

Literature cited by the submitters: PubMed 21131972; PubMed 23255504.

NM_181426.2(CCDC39):c.1674_1675dup (p.Ile559fs)

Gene: CCDC39 (coiled-coil domain 39 molecular ruler complex subunit; minus strand). Cytogenetic location: 3q26.33.
Variant type: Duplication.
Coding change: c.1674_1675dup on transcript NM_181426.2 (MANE Select); coding-DNA positions 1674 to 1675, 2 bases duplicated (GA; older notation c.1674_1675dupGA).
Protein change: p.Ile559fs; shifts the reading frame from isoleucine 559.
Molecular consequence: frameshift variant.
Genome position (GRCh38, 1-based): chr3:180,642,192-180,642,193, TC duplicated on the plus strand (GA on the coding strand, the reverse complement: CCDC39 is on the minus strand). VCF-style (leftmost placement, unchanged base first): chr3-180642191-A-ATC. GRCh37 (hg19) VCF-style: chr3-180359979-A-ATC.
Other names: short protein forms I559fs.
Identifiers: ClinVar variation 1070035 (VCV001070035.9), dbSNP rs2108418891, ClinGen allele CA2499216591.